The following is an entry in ClinVar:

ClinVar aggregate classification (germline): Likely benign. Review status: criteria provided, single submitter (1 of 4 stars). 2 submissions from 2 submitters: Likely benign (1). 1 of the submissions does not count toward it. Last evaluated 2024-03-16.

Conditions:
Familial thoracic aortic aneurysm and aortic dissection (TAAD). Also called: Thoracic aortic aneurysms and dissections. Identifiers: Orphanet 91387, MedGen C4707243, MONDO:0019625.
Marfan syndrome (MFS). Also called: MARFAN SYNDROME, TYPE I; Marfan syndrome type 1; Marfan's syndrome; Marfan syndrome, classic; FBN1-Related Marfan Syndrome. Identifiers: Orphanet 284963, Orphanet 558, MedGen C0024796, MONDO:0007947, OMIM 154700.
FBN1-related disorder. Also called: FBN1-related disorders.

Allele frequency attached by ClinVar (database versions not stated): TOPMed below 0.00001; ExAC 0.00002; gnomAD exomes 0.00002.
gnomAD v4.1: 29 of 1,612,480 alleles (0.0018%); highest among the groups gnomAD compares: Non-Finnish European, 0.0024%; no homozygotes.

Submissions (2):

Labcorp Genetics (formerly Invitae), Labcorp
Classification: Likely benign for Marfan syndrome; Familial thoracic aortic aneurysm and aortic dissection. Last evaluated: 2024-03-16. Review status: criteria provided, single submitter. Criteria: Invitae Variant Classification Sherloc (09022015). Collection method: clinical testing. Allele origin: germline.

PreventionGenetics, part of Exact Sciences
Classification: Likely benign for FBN1-related condition. Last evaluated: 2021-11-05. Review status: no assertion criteria provided. Collection method: clinical testing. Allele origin: germline. Not counted in ClinVar's aggregate classification.
Comment: This variant is classified as likely benign based on ACMG/AMP sequence variant interpretation guidelines (Richards et al. 2015 PMID: 25741868, with internal and published modifications).

NM_000138.5(FBN1):c.2854+7A>G

Gene: FBN1 (fibrillin 1; minus strand). Cytogenetic location: 15q21.1.
Variant type: single nucleotide variant.
Coding change: c.2854+7A>G on transcript NM_000138.5 (MANE Select); 7 bases into the intron after coding-DNA position 2854, A replaced by G.
Molecular consequence: intron variant.
Genome position (GRCh38, 1-based): chr15:48,492,454, T>C on the plus strand (A>G on the coding strand, the complement: FBN1 is on the minus strand). VCF-style: chr15-48492454-T-C. GRCh37 (hg19) VCF-style: chr15-48784651-T-C.
Other names: c.2854+7A>G (NM_000138.4).
Identifiers: ClinVar variation 2149591 (VCV002149591.6), dbSNP rs773325628, ClinGen allele CA049025.